The following is an entry in ClinVar:

NM_014861.4(ATP2C2):c.2333+208T>C

Genes: ATP2C2 (ATPase secretory pathway Ca2+ transporting 2; plus strand), ATP2C2-AS1 (ATP2C2 antisense RNA 1; minus strand). Cytogenetic location: 16q24.1.
Variant type: single nucleotide variant.
Coding change: c.2333+208T>C on transcript NM_014861.4 (MANE Select); 208 bases into the intron after coding-DNA position 2333, T replaced by C.
Molecular consequence: intron variant. On other transcripts: non-coding transcript variant (1), splice donor variant (1).
Genome position (GRCh38, 1-based): chr16:84,459,594, T>C. VCF-style: chr16-84459594-T-C. GRCh37 (hg19) VCF-style: chr16-84493200-T-C.
Other names: c.2420+2T>C (NM_001286527.3); c.1880+208T>C (NM_001291454.2).
Identifiers: ClinVar variation 3040059 (VCV003040059.2), dbSNP rs567039122, ClinGen allele CA8208163.

ClinVar aggregate classification (germline): Likely benign (0 of 4 stars; one submission).

Conditions:
ATP2C2-related disorder. Also called: ATP2C2-related condition.

Allele frequency attached by ClinVar (database versions not stated): TOPMed 0.00006; gnomAD 0.00044; gnomAD exomes 0.00071; 1000 Genomes Project 30x 0.00281; 1000 Genomes Project 0.00319; ExAC 0.00834.
gnomAD v4.1: 1,058 of 1,535,684 alleles (0.069%); highest among the groups gnomAD compares: South Asian, 1.2%; 24 homozygotes.

Submission:

PreventionGenetics, part of Exact Sciences
Classification: Likely benign for ATP2C2-related condition. Last evaluated: 2021-01-11. Review status: no assertion criteria provided. Collection method: clinical testing. Allele origin: germline.
Comment: This variant is classified as likely benign based on ACMG/AMP sequence variant interpretation guidelines (Richards et al. 2015 PMID: 25741868, with internal and published modifications).